The following is an entry in ClinVar:

NM_002055.5(GFAP):c.1128-66C>G

Gene: GFAP (glial fibrillary acidic protein; minus strand). Cytogenetic location: 17q21.31.
Variant type: single nucleotide variant.
Coding change: c.1128-66C>G on transcript NM_002055.5 (MANE Select); 66 bases into the intron before coding-DNA position 1128, C replaced by G.
Molecular consequence: intron variant.
Genome position (GRCh38, 1-based): chr17:44,910,724, G>C on the plus strand (C>G on the coding strand, the complement: GFAP is on the minus strand). VCF-style: chr17-44910724-G-C. GRCh37 (hg19) VCF-style: chr17-42988092-G-C.
Other names: c.1128-66C>G (NM_001363846.2, NM_001131019.3, NM_001242376.3).
Identifiers: ClinVar variation 66445 (VCV000066445.6), dbSNP rs2289679, ClinGen allele CA217125.

ClinVar aggregate classification (germline): Benign. Review status: reviewed by expert panel (3 of 4 stars). 4 submissions from 4 submitters: Benign (1). 3 of the submissions do not count toward it. Last evaluated 2026-08-18.

Conditions:
Alexander disease (ALXDRD). Also called: Alexander's disease. Identifiers: Orphanet 58, MedGen C0270726, MONDO:0008752, OMIM 203450.

Allele frequency attached by ClinVar (database versions not stated): gnomAD 0.25658 and 0.25664; ESP Exome Variant Server 0.26194; 1000 Genomes Project 30x 0.23813; 1000 Genomes Project 0.23982; TOPMed 0.24715.
gnomAD v4.1: 420,443 of 1,552,962 alleles (27%); highest among the groups gnomAD compares: South Asian, 28%; 57,369 homozygotes.

Submissions (4):

ClinGen Leukodystrophy and Leukoencephalopathy Variant Curation Expert Panel, ClinGen
Classification: Benign for Alexander disease. Last evaluated: 2026-08-18. Review status: reviewed by expert panel. Criteria: ClinGen Leuko ACMG Specifications GFAP V1.0. Collection method: curation. Allele origin: germline. Inheritance: Autosomal dominant inheritance.
Comment: The c.1128-66C>G variant in NM_002055.5(GFAP) is an intronic variant. The GrpMax filtering allele frequency in gnomAD v4.1.1 is 0.279 from the South Asian genetic ancestry group (the lower threshold of the 95% CI of 23749/84116 alleles), which is higher than the ClinGen Leukodystrophy and Leukoencephalopathy Expert Panel Specifications to the ACMG/AMP Variant Interpretation Guidelines for GFAP Version 1.0.0 threshold ≥ 0.01% for BA1, and therefore meets this criterion (BA1). In summary, this variant meets the criteria to be classified as benign based on the ACMG/AMP criteria applied, as specified by the ClinGen Leukodystrophy and Leukoencephalopathy VCEP: BA1, BS2 (ClinGen Leukodystrophy and Leukoencephalopathy VCEP Specifications Version 1.0.0).

GeneDx
Classification: Benign. Last evaluated: 2015-03-03. Review status: criteria provided, single submitter. Criteria: GeneDx Variant Classification Process June 2021. Collection method: clinical testing. Allele origin: germline. Affected: yes. Not counted in ClinVar's aggregate classification.

Breakthrough Genomics
Classification: Benign. Review status: criteria provided, single submitter. Criteria: ACMG Guidelines, 2015. Collection method: not provided. Allele origin: germline. Inheritance: Autosomal dominant inheritance. Affected: yes. Not counted in ClinVar's aggregate classification.

Epithelial Biology;  Institute of Medical Biology, Singapore
No classification provided. Review status: no classification provided. Collection method: not provided. Allele origin: not provided. Not counted in ClinVar's aggregate classification.